The following is an entry in ClinVar:

ClinVar aggregate classification (germline): Uncertain significance. Review status: criteria provided, multiple submitters, no conflicts (2 of 4 stars). 2 submissions from 2 submitters: Uncertain significance (2). Last evaluated 2026-01-22.

Conditions:
Inborn genetic diseases. Identifiers: MedGen C0950123, MeSH D030342.

gnomAD v4.1: 123 of 1,610,588 alleles (0.0076%); highest among the groups gnomAD compares: Non-Finnish European, 0.0097%; no homozygotes.

Submissions (2):

Labcorp Genetics (formerly Invitae), Labcorp
Classification: Uncertain significance. Last evaluated: 2026-01-22. Review status: criteria provided, single submitter. Criteria: Invitae Variant Classification Sherloc (09022015). Collection method: clinical testing. Allele origin: germline.
Comment: This sequence change replaces leucine, which is neutral and non-polar, with valine, which is neutral and non-polar, at codon 218 of the KIF12 protein (p.Leu218Val). This variant is present in population databases (rs373902440, gnomAD 0.008%). This variant has not been reported in the literature in individuals affected with KIF12-related conditions. ClinVar contains an entry for this variant (Variation ID: 3863870). An algorithm developed to predict the effect of missense changes on protein structure and function (PolyPhen-2) suggests that this variant is likely to be disruptive. In summary, the available evidence is currently insufficient to determine the role of this variant in disease. Therefore, it has been classified as a Variant of Uncertain Significance.

Ambry Genetics
Classification: Uncertain significance for Inborn genetic diseases. Last evaluated: 2025-01-31. Review status: criteria provided, single submitter. Criteria: Ambry Variant Classification Scheme 2023. Collection method: clinical testing. Allele origin: germline.

NM_001388308.1(KIF12):c.1066C>G (p.Leu356Val)

Gene: KIF12 (kinesin family member 12; minus strand). Cytogenetic location: 9q32.
Variant type: single nucleotide variant.
Coding change: c.1066C>G on transcript NM_001388308.1 (MANE Select); coding-DNA position 1066, C replaced by G.
Protein change: p.Leu356Val; replaces leucine 356 with valine.
Molecular consequence: missense variant.
Genome position (GRCh38, 1-based): chr9:114,095,076, G>C on the plus strand (C>G on the coding strand, the complement: KIF12 is on the minus strand). VCF-style: chr9-114095076-G-C. GRCh37 (hg19) VCF-style: chr9-116857356-G-C.
Other names: c.652C>G, p.Leu218Val (NM_138424.2); short protein forms L218V, L356V.
Identifiers: ClinVar variation 3863870 (VCV003863870.2).